The following is an entry in ClinVar:

NM_000222.3(KIT):c.1394C>G (p.Ser465Cys)

Gene: KIT (KIT proto-oncogene, receptor tyrosine kinase; plus strand). Cytogenetic location: 4q12.
Variant type: single nucleotide variant.
Coding change: c.1394C>G on transcript NM_000222.3 (MANE Select); coding-DNA position 1394, C replaced by G.
Protein change: p.Ser465Cys; replaces serine 465 with cysteine.
Molecular consequence: missense variant.
Genome position (GRCh38, 1-based): chr4:54,725,904, C>G. VCF-style: chr4-54725904-C-G. GRCh37 (hg19) VCF-style: chr4-55592070-C-G.
Other names: c.1394C>G, p.Ser465Cys (NM_001093772.2, NM_001385285.1, NM_001385286.1); c.1397C>G, p.Ser466Cys (NM_001385284.1, NM_001385288.1, NM_001385290.1 and 1 more transcripts); short protein forms S465C, S466C.
Identifiers: ClinVar variation 2587865 (VCV002587865.3), dbSNP rs763728676, ClinGen allele CA356906306.

ClinVar aggregate classification (germline): Uncertain significance (1 of 4 stars; one submission).
ClinVar aggregate classification (somatic clinical impact): Tier II - Potential (1 of 4 stars; one submission).

Conditions:
Hereditary cancer-predisposing syndrome. Also called: Tumor predisposition; Hereditary Cancer Syndrome; Hereditary neoplastic syndrome; Neoplastic Syndromes, Hereditary. Identifiers: Orphanet 140162, MedGen C0027672, MeSH D009386, MONDO:0015356.
Germinomatous germ cell tumor. Identifiers: MedGen C4054897, MONDO:0020580.

Submissions (2):

Ambry Genetics
Classification: Uncertain significance for Hereditary cancer-predisposing syndrome. Last evaluated: 2023-08-06. Review status: criteria provided, single submitter. Criteria: Ambry Variant Classification Scheme 2023. Collection method: clinical testing. Allele origin: germline.
Comment: The p.S465C variant (also known as c.1394C>G), located in coding exon 9 of the KIT gene, results from a C to G substitution at nucleotide position 1394. The serine at codon 465 is replaced by cysteine, an amino acid with dissimilar properties. This amino acid position is conserved. In addition, this alteration is predicted to be tolerated by in silico analysis. Since supporting evidence is limited at this time, the clinical significance of this alteration remains unclear.

Institute for Genomic Medicine (IGM) Clinical Laboratory, Nationwide Children's Hospital
Classification: Tier II - Potential for Germinomatous germ cell tumor. Assertion type: diagnostic. Clinical significance: supports diagnosis. Last evaluated: 2023-04-06. Review status: criteria provided, single submitter. Criteria: AMP/ASCO/CAP Guidelines, 2017. Collection method: clinical testing. Allele origin: somatic. Affected: yes.
Comment: Variant has Tier II (potential) clinical significance as a diagnostic inclusion criterion in germinomatous germ cell tumor, based on the following evidence: 1) Appears in one or more well-established professional guidelines (e.g., World Health Organization [WHO]; National Comprehensive Cancer Network [NCCN]) as providing diagnostic, prognostic, or therapeutic information. 2) Diagnostic significance based on multiple small studies (Evidence Level C; PMIDs: 24452629, 24896186, 27391150).

Literature cited by the submitters: PubMed 24452629 (cited by Institute for Genomic Medicine (IGM) Clinical Laboratory, Nationwide Children's Hospital); PubMed 24896186 (cited by Institute for Genomic Medicine (IGM) Clinical Laboratory, Nationwide Children's Hospital); PubMed 27391150 (cited by Institute for Genomic Medicine (IGM) Clinical Laboratory, Nationwide Children's Hospital).